The following is an entry in ClinVar:

ClinVar aggregate classification (germline): Uncertain significance (1 of 4 stars; one submission).

Conditions:
Hereditary cancer-predisposing syndrome. Also called: Neoplastic Syndromes, Hereditary; Tumor predisposition; Hereditary neoplastic syndrome; Hereditary Cancer Syndrome. Identifiers: Orphanet 140162, MedGen C0027672, MeSH D009386, MONDO:0015356.

Submission:

Ambry Genetics
Classification: Uncertain significance for Hereditary cancer-predisposing syndrome. Last evaluated: 2023-11-11. Review status: criteria provided, single submitter. Criteria: Ambry Variant Classification Scheme 2023. Collection method: clinical testing. Allele origin: germline.
Comment: The p.P165S variant (also known as c.493C>T), located in coding exon 4 of the SDHAF2 gene, results from a C to T substitution at nucleotide position 493. The proline at codon 165 is replaced by serine, an amino acid with similar properties. This amino acid position is conserved. In addition, this alteration is predicted to be tolerated by in silico analysis. Since supporting evidence is limited at this time, the clinical significance of this alteration remains unclear.

NM_017841.4(SDHAF2):c.493C>T (p.Pro165Ser)

Gene: SDHAF2 (succinate dehydrogenase complex assembly factor 2; plus strand). Cytogenetic location: 11q12.2.
Variant type: single nucleotide variant.
Coding change: c.493C>T on transcript NM_017841.4 (MANE Select); coding-DNA position 493, C replaced by T.
Protein change: p.Pro165Ser; replaces proline 165 with serine.
Molecular consequence: missense variant.
Genome position (GRCh38, 1-based): chr11:61,446,063, C>T. VCF-style: chr11-61446063-C-T. GRCh37 (hg19) VCF-style: chr11-61213535-C-T.
Other names: short protein forms P165S.
Identifiers: ClinVar variation 3227059 (VCV003227059.1), dbSNP rs2134902185, ClinGen allele CA380685659.